The following is an entry in ClinVar:

NM_021101.5(CLDN1):c.512C>G (p.Ala171Gly)

Genes: CLDN1 (claudin 1; minus strand), CLDN16 (claudin 16; plus strand). Cytogenetic location: 3q28.
Variant type: single nucleotide variant.
Coding change: c.512C>G on transcript NM_021101.5 (MANE Select); coding-DNA position 512, C replaced by G.
Protein change: p.Ala171Gly; replaces alanine 171 with glycine.
Molecular consequence: missense variant. On other transcripts: intron variant (2).
Genome position (GRCh38, 1-based): chr3:190,308,401, G>C on the plus strand (C>G on the coding strand, the complement: CLDN1 is on the minus strand). VCF-style: chr3-190308401-G-C. GRCh37 (hg19) VCF-style: chr3-190026190-G-C.
Other names: c.-445-6492G>C (NM_001378492.1); c.-279+17810G>C (NM_001378493.1); short protein forms A171G.
Identifiers: ClinVar variation 3031580 (VCV003031580.2), dbSNP rs529377941, ClinGen allele CA2753501.

ClinVar aggregate classification (germline): Likely benign (0 of 4 stars; one submission).

Conditions:
CLDN1-related disorder. Also called: CLDN1-related condition.

Allele frequency attached by ClinVar (database versions not stated): 1000 Genomes Project 0.00020; gnomAD 0.00005; TOPMed 0.00006; gnomAD exomes 0.00011; 1000 Genomes Project 30x 0.00016; ExAC 0.00026.
gnomAD v4.1: 171 of 1,613,694 alleles (0.011%); highest among the groups gnomAD compares: South Asian, 0.13%; 2 homozygotes.

Submission:

PreventionGenetics, part of Exact Sciences
Classification: Likely benign for CLDN1-related condition. Last evaluated: 2023-01-18. Review status: no assertion criteria provided. Collection method: clinical testing. Allele origin: germline.
Comment: This variant is classified as likely benign based on ACMG/AMP sequence variant interpretation guidelines (Richards et al. 2015 PMID: 25741868, with internal and published modifications).